The following is an entry in ClinVar:

ClinVar aggregate classification (germline): Uncertain significance (1 of 4 stars; one submission).

Conditions:
Hereditary cancer-predisposing syndrome. Also called: Tumor predisposition; Hereditary neoplastic syndrome; Neoplastic Syndromes, Hereditary; Hereditary Cancer Syndrome. Identifiers: Orphanet 140162, MedGen C0027672, MeSH D009386, MONDO:0015356.

Submission:

Ambry Genetics
Classification: Uncertain significance for Hereditary cancer-predisposing syndrome. Last evaluated: 2023-03-20. Review status: criteria provided, single submitter. Criteria: Ambry Variant Classification Scheme 2023. Collection method: clinical testing. Allele origin: germline.
Comment: The p.C336W variant (also known as c.1008T>G), located in coding exon 4 of the BARD1 gene, results from a T to G substitution at nucleotide position 1008. The cysteine at codon 336 is replaced by tryptophan, an amino acid with highly dissimilar properties. This amino acid position is not well conserved in available vertebrate species. In addition, this alteration is predicted to be tolerated by in silico analysis. Since supporting evidence is limited at this time, the clinical significance of this alteration remains unclear.

NM_000465.4(BARD1):c.1008T>G (p.Cys336Trp)

Gene: BARD1 (BRCA1 associated RING domain 1; minus strand). Cytogenetic location: 2q35.
Variant type: single nucleotide variant.
Coding change: c.1008T>G on transcript NM_000465.4 (MANE Select); coding-DNA position 1008, T replaced by G.
Protein change: p.Cys336Trp; replaces cysteine 336 with tryptophan.
Molecular consequence: missense variant. On other transcripts: non-coding transcript variant (2), intron variant (3).
Genome position (GRCh38, 1-based): chr2:214,780,866, A>C on the plus strand (T>G on the coding strand, the complement: BARD1 is on the minus strand). VCF-style: chr2-214780866-A-C. GRCh37 (hg19) VCF-style: chr2-215645590-A-C.
Other names: c.951T>G, p.Cys317Trp (NM_001282543.2); c.159-28311T>G (NM_001282548.2); c.215+16195T>G (NM_001282545.2); c.364+11431T>G (NM_001282549.2); short protein forms C336W, C317W.
Identifiers: ClinVar variation 818258 (VCV000818258.5), dbSNP rs1574817982, ClinGen allele CA350454397.
Genomic context (GRCh38, chr2:214,780,866, plus strand): 5'-ATTTTCTGAGGGCACCGTTTGCTTAACAAAATCTCCACTGGTGCTCAGAATGCTGGTTCT[A>C]CATCTCTTAGAAATGGGACTGGAAAGTCTATTGTGATGGCCACGTTTTCCATTATTTTCT-3'
Protein context (NP_000456.2, residues 326-346): NRLSSPISKR[Cys336Trp]RTSILSTSGD